The following is an entry in ClinVar:

ClinVar aggregate classification (germline): Uncertain significance. Review status: criteria provided, multiple submitters, no conflicts (2 of 4 stars). 2 submissions from 2 submitters: Uncertain significance (2). Last evaluated 2026-04-26.

Conditions:
RASopathy. Also called: rasopathies; Noonan spectrum disorder. Identifiers: Orphanet 536391, MedGen C5555857, MONDO:0021060.
Cardiovascular phenotype. Identifiers: MedGen CN230736.

Allele frequency attached by ClinVar (database versions not stated): gnomAD 0.00001.
gnomAD v4.1: 1 of 1,613,930 alleles (0.000062%); highest among the groups gnomAD compares: African/African-American, 0.0013%; no homozygotes.

Submissions (2):

Ambry Genetics
Classification: Uncertain significance for Cardiovascular phenotype. Last evaluated: 2026-04-26. Review status: criteria provided, single submitter. Criteria: Ambry Variant Classification Scheme 2023. Collection method: clinical testing. Allele origin: germline.
Comment: The p.S441I variant (also known as c.1322G>T), located in coding exon 9 of the CBL gene, results from a G to T substitution at nucleotide position 1322. The serine at codon 441 is replaced by isoleucine, an amino acid with dissimilar properties. This amino acid position is conserved. In addition, this alteration is predicted to be tolerated by in silico analysis. Based on the available evidence, the clinical significance of this variant remains unclear.

Labcorp Genetics (formerly Invitae), Labcorp
Classification: Uncertain significance for RASopathy. Last evaluated: 2022-02-08. Review status: criteria provided, single submitter. Criteria: Invitae Variant Classification Sherloc (09022015). Collection method: clinical testing. Allele origin: germline.
Comment: This sequence change replaces serine, which is neutral and polar, with isoleucine, which is neutral and non-polar, at codon 441 of the CBL protein (p.Ser441Ile). This variant is not present in population databases (gnomAD no frequency). This variant has not been reported in the literature in individuals affected with CBL-related conditions. Advanced modeling of protein sequence and biophysical properties (such as structural, functional, and spatial information, amino acid conservation, physicochemical variation, residue mobility, and thermodynamic stability) performed at Invitae indicates that this missense variant is not expected to disrupt CBL protein function. In summary, the available evidence is currently insufficient to determine the role of this variant in disease. Therefore, it has been classified as a Variant of Uncertain Significance.

NM_005188.4(CBL):c.1322G>T (p.Ser441Ile)

Gene: CBL (Cbl proto-oncogene; plus strand). Cytogenetic location: 11q23.3.
Variant type: single nucleotide variant.
Coding change: c.1322G>T on transcript NM_005188.4 (MANE Select); coding-DNA position 1322, G replaced by T.
Protein change: p.Ser441Ile; replaces serine 441 with isoleucine.
Molecular consequence: missense variant.
Genome position (GRCh38, 1-based): chr11:119,278,604, G>T. VCF-style: chr11-119278604-G-T. GRCh37 (hg19) VCF-style: chr11-119149314-G-T.
Other names: c.1322G>T (NM_005188.2); short protein forms S441I.
Identifiers: ClinVar variation 1967822 (VCV001967822.6), dbSNP rs1949908794, ClinGen allele CA382914298.
Genomic context (GRCh38, chr11:119,278,604, plus strand): 5'-GTGAAATTAAAGGTACTGAACCCATCGTGGTAGATCCGTTTGATCCTAGAGGGAGTGGCA[G>T]CCTGTTGAGGCAAGGAGCAGAGGGAGCTCCCTCCCCAAATTATGATGATGATGATGATGA-3'
Protein context (NP_005179.2, residues 431-451): VDPFDPRGSG[Ser441Ile]LLRQGAEGAP